The following is an entry in ClinVar:

ClinVar aggregate classification (germline): Benign (1 of 4 stars; one submission).

Allele frequency attached by ClinVar (database versions not stated): 1000 Genomes Project 30x 0.33198; 1000 Genomes Project 0.33466; TOPMed 0.38016; gnomAD 0.38336 and 0.38422.
gnomAD v4.1: 58,252 of 151,708 alleles (38%); highest among the groups gnomAD compares: Non-Finnish European, 44%; 11,358 homozygotes.

Submission:

GeneDx
Classification: Benign. Last evaluated: 2018-06-18. Review status: criteria provided, single submitter. Criteria: GeneDx Variant Classification (06012015). Collection method: clinical testing. Allele origin: germline. Affected: yes.
Comment: This variant is considered likely benign or benign based on one or more of the following criteria: it is a conservative change, it occurs at a poorly conserved position in the protein, it is predicted to be benign by multiple in silico algorithms, and/or has population frequency not consistent with disease.

NM_006258.4(PRKG1):c.763-291A>C

Gene: PRKG1 (protein kinase cGMP-dependent 1; plus strand). Cytogenetic location: 10q21.1.
Variant type: single nucleotide variant.
Coding change: c.763-291A>C on transcript NM_006258.4 (MANE Select); 291 bases into the intron before coding-DNA position 763, A replaced by C.
Molecular consequence: intron variant.
Genome position (GRCh38, 1-based): chr10:52,054,193, A>C. VCF-style: chr10-52054193-A-C. GRCh37 (hg19) VCF-style: chr10-53813953-A-C.
Other names: c.718-291A>C (NM_001098512.3).
Identifiers: ClinVar variation 683720 (VCV000683720.1), dbSNP rs1904009, ClinGen allele CA13190460.